The following is an entry in ClinVar:

ClinVar aggregate classification (germline): Uncertain significance (1 of 4 stars; one submission).

gnomAD v4.1: 1 of 1,613,592 alleles (0.000062%); highest among the groups gnomAD compares: Non-Finnish European, 0.000085%; no homozygotes.

Submission:

GeneDx
Classification: Uncertain significance. Last evaluated: 2021-01-12. Review status: criteria provided, single submitter. Criteria: GeneDx Variant Classification Process June 2021. Collection method: clinical testing. Allele origin: germline. Affected: yes.
Comment: Not observed in large population cohorts (Lek et al., 2016); In silico analysis supports that this missense variant does not alter protein structure/function; Has not been previously published as pathogenic or benign to our knowledge

NM_001348716.2(KDM6B):c.431G>C (p.Gly144Ala)

Gene: KDM6B (lysine demethylase 6B; plus strand). Cytogenetic location: 17p13.1.
Variant type: single nucleotide variant.
Coding change: c.431G>C on transcript NM_001348716.2 (MANE Select); coding-DNA position 431, G replaced by C.
Protein change: p.Gly144Ala; replaces glycine 144 with alanine.
Molecular consequence: missense variant.
Genome position (GRCh38, 1-based): chr17:7,846,272, G>C. VCF-style: chr17-7846272-G-C. GRCh37 (hg19) VCF-style: chr17-7749590-G-C.
Other names: c.431G>C, p.Gly144Ala (NM_001080424.2); short protein forms G144A.
Identifiers: ClinVar variation 1312175 (VCV001312175.2), dbSNP rs2078534262, ClinGen allele CA397912195.
Genomic context (GRCh38, chr17:7,846,272, plus strand): 5'-AGGAGGCCACACGCTGCTACCACAGCGCCCTTCGATACGGAGGAAGCTTCGCTGAGCTGG[G>C]GCCCCGCATTGGCCGACTGCAGCAGGTAGGAGAAGGCAGGGCGTGGGGGACGGGATTGTA-3'
Protein context (NP_001335645.1, residues 134-154): LRYGGSFAEL[Gly144Ala]PRIGRLQQAQ